The following is an entry in ClinVar:

NM_001353345.2(SETD1B):c.1295C>T (p.Pro432Leu)

Gene: SETD1B (SET domain containing 1B, histone lysine methyltransferase; plus strand). Cytogenetic location: 12q24.31.
Variant type: single nucleotide variant.
Coding change: c.1295C>T on transcript NM_001353345.2 (MANE Select); coding-DNA position 1295, C replaced by T.
Protein change: p.Pro432Leu; replaces proline 432 with leucine.
Molecular consequence: missense variant.
Genome position (GRCh38, 1-based): chr12:121,810,240, C>T. VCF-style: chr12-121810240-C-T. GRCh37 (hg19) VCF-style: chr12-122248146-C-T.
Other names: NM_015048.1:c.1295C>T; c.1295C>T (NM_001353345.1); short protein forms P432L.
Identifiers: ClinVar variation 2379236 (VCV002379236.3), dbSNP rs957449856, ClinGen allele CA244636542.

ClinVar aggregate classification (germline): Likely benign. Review status: criteria provided, single submitter (1 of 4 stars). 2 submissions from 2 submitters: Likely benign (1). 1 of the submissions does not count toward it. Last evaluated 2021-11-09.

Conditions:
Inborn genetic diseases. Identifiers: MedGen C0950123, MeSH D030342.
SETD1B-related disorder. Also called: SETD1B-related condition.

Allele frequency attached by ClinVar (database versions not stated): gnomAD 0.00038; TOPMed 0.00041.
gnomAD v4.1: 112 of 1,547,176 alleles (0.0072%); highest among the groups gnomAD compares: African/African-American, 0.13%; no homozygotes.

Submissions (2):

Ambry Genetics
Classification: Likely benign for Inborn genetic diseases. Last evaluated: 2021-11-09. Review status: criteria provided, single submitter. Criteria: Ambry Variant Classification Scheme 2023. Collection method: clinical testing. Allele origin: germline.

PreventionGenetics, part of Exact Sciences
Classification: Likely benign for SETD1B-related condition. Last evaluated: 2024-06-21. Review status: no assertion criteria provided. Collection method: clinical testing. Allele origin: germline. Not counted in ClinVar's aggregate classification.
Comment: This variant is classified as likely benign based on ACMG/AMP sequence variant interpretation guidelines (Richards et al. 2015 PMID: 25741868, with internal and published modifications).